The following is an entry in ClinVar:

NM_001376.5(DYNC1H1):c.8693A>T (p.Lys2898Met)

Gene: DYNC1H1 (dynein cytoplasmic 1 heavy chain 1; plus strand). Cytogenetic location: 14q32.31.
Variant type: single nucleotide variant.
Coding change: c.8693A>T on transcript NM_001376.5 (MANE Select); coding-DNA position 8693, A replaced by T.
Protein change: p.Lys2898Met; replaces lysine 2898 with methionine.
Molecular consequence: missense variant.
Genome position (GRCh38, 1-based): chr14:102,026,629, A>T. VCF-style: chr14-102026629-A-T. GRCh37 (hg19) VCF-style: chr14-102492966-A-T.
Other names: short protein forms K2898M.
Identifiers: ClinVar variation 4802067 (VCV004802067.1).
Genomic context (GRCh38, chr14:102,026,629, plus strand): 5'-TATAGGATTACATCCCAGTAGACCAAGAAGAGTTAAGAGATTATGTCAAAGCTAGGCTGA[A>T]GGTCTTTTATGAAGAAGAACTTGATGTTCCGCTGGTGCTGTTTAATGAAGTCCTAGACCA-3'
Protein context (NP_001367.2, residues 2888-2908): ELRDYVKARL[Lys2898Met]VFYEEELDVP

ClinVar aggregate classification (germline): Uncertain significance (1 of 4 stars; one submission).

Conditions:
Charcot-Marie-Tooth disease axonal type 2O. Also called: CHARCOT-MARIE-TOOTH NEUROPATHY, AXONAL, TYPE 2O; CHARCOT-MARIE-TOOTH DISEASE, AXONAL, AUTOSOMAL DOMINANT, TYPE 2O; Charcot-Marie-Tooth Neuropathy Type 2O; Charcot-Marie-Tooth disease, axonal, type 20. Identifiers: Orphanet 284232, MedGen C3280220, MONDO:0013644, OMIM 614228.

Submission:

Labcorp Genetics (formerly Invitae), Labcorp
Classification: Uncertain significance for Charcot-Marie-Tooth disease axonal type 2O. Last evaluated: 2025-02-12. Review status: criteria provided, single submitter. Criteria: Invitae Variant Classification Sherloc (09022015). Collection method: clinical testing. Allele origin: germline.
Comment: This sequence change replaces lysine, which is basic and polar, with methionine, which is neutral and non-polar, at codon 2898 of the DYNC1H1 protein (p.Lys2898Met). This variant is not present in population databases (gnomAD no frequency). This variant has not been reported in the literature in individuals affected with DYNC1H1-related conditions. Invitae Evidence Modeling of protein sequence and biophysical properties (such as structural, functional, and spatial information, amino acid conservation, physicochemical variation, residue mobility, and thermodynamic stability) has been performed for this missense variant. However, the output from this modeling did not meet the statistical confidence thresholds required to predict the impact of this variant on DYNC1H1 protein function. In summary, the available evidence is currently insufficient to determine the role of this variant in disease. Therefore, it has been classified as a Variant of Uncertain Significance.